The following is an entry in ClinVar:

NM_003872.3(NRP2):c.2425+9639C>A

Gene: NRP2 (neuropilin 2; plus strand). Cytogenetic location: 2q33.3.
Variant type: single nucleotide variant.
Coding change: c.2425+9639C>A on transcript NM_003872.3 (MANE Select); 9639 bases into the intron after coding-DNA position 2425, C replaced by A.
Molecular consequence: intron variant. On other transcripts: synonymous variant (2).
Genome position (GRCh38, 1-based): chr2:205,776,442, C>A. VCF-style: chr2-205776442-C-A. GRCh37 (hg19) VCF-style: chr2-206641166-C-A.
Other names: c.2637C>A, p.Thr879= (NM_018534.4); c.2622C>A, p.Thr874= (NM_201267.2); c.2440+9624C>A (NM_201266.2); c.2425+9639C>A (NM_201279.2).
Identifiers: ClinVar variation 3350845 (VCV003350845.1).

ClinVar aggregate classification (germline): Likely benign (0 of 4 stars; one submission).

Conditions:
NRP2-related disorder. Also called: NRP2-related condition.

gnomAD v4.1: 50 of 1,613,254 alleles (0.0031%); highest among the groups gnomAD compares: Middle Eastern, 0.033%; 1 homozygote.

Submission:

PreventionGenetics, part of Exact Sciences
Classification: Likely benign for NRP2-related condition. Last evaluated: 2024-06-01. Review status: no assertion criteria provided. Collection method: clinical testing. Allele origin: germline.
Comment: This variant is classified as likely benign based on ACMG/AMP sequence variant interpretation guidelines (Richards et al. 2015 PMID: 25741868, with internal and published modifications).